The following is an entry in ClinVar:

ClinVar aggregate classification (germline): Likely pathogenic (1 of 4 stars; one submission).

Conditions:
Short-rib thoracic dysplasia 6 with or without polydactyly (SRTD6). Also called: Majewski Syndrome; POLYDACTYLY WITH NEONATAL CHONDRODYSTROPHY, TYPE II; SHORT-RIB THORACIC DYSPLASIA 6 WITH POLYDACTYLY; SHORT-RIB THORACIC DYSPLASIA 6 WITHOUT POLYDACTYLY; SHORT RIB-POLYDACTYLY SYNDROME, TYPE IIA. Identifiers: MedGen C0024507, MONDO:0009894, OMIM 263520.

Submission:

Centre for Mendelian Genomics, University Medical Centre Ljubljana
Classification: Likely pathogenic for Short-rib thoracic dysplasia 6 with or without polydactyly. Last evaluated: 2020-02-18. Review status: criteria provided, single submitter. Criteria: ACMG Guidelines, 2015. Collection method: clinical testing. Allele origin: unknown. Affected: yes.
Comment: This variant was classified as: Likely pathogenic. The following ACMG criteria were applied in classifying this variant: PVS1,PM2.

NM_001199397.3(NEK1):c.893del (p.Asn298fs)

Gene: NEK1 (NIMA related kinase 1; minus strand). Cytogenetic location: 4q33.
Variant type: Deletion.
Coding change: c.893del on transcript NM_001199397.3 (MANE Select); coding-DNA position 893, one base deleted (A; older notation c.893delA).
Protein change: p.Asn298fs; shifts the reading frame from asparagine 298.
Molecular consequence: frameshift variant. On other transcripts: non-coding transcript variant (2).
Genome position (GRCh38, 1-based): chr4:169,577,055, T deleted on the plus strand (A on the coding strand, the reverse complement: NEK1 is on the minus strand); the first of 4 consecutive T bases (chr4:169,577,055-169,577,058); deleting any one gives the same sequence. VCF-style (leftmost placement, unchanged base first): chr4-169577054-GT-G. GRCh37 (hg19) VCF-style: chr4-170498205-GT-G.
Other names: c.893del, p.Asn298fs (NM_001199398.3, NM_001199399.3, NM_001199400.3 and 7 more transcripts); short protein forms N298fs.
Identifiers: ClinVar variation 930942 (VCV000930942.3), dbSNP rs1765802748, ClinGen allele CA1139658704.